The following is an entry in ClinVar:

ClinVar aggregate classification (germline): Uncertain significance (1 of 4 stars; one submission).

Conditions:
Brugada syndrome. Also called: Sudden Unexplained Death Syndrome; Sudden Unexplained Nocturnal Death Syndrome (SUNDS); Sudden unexpected nocturnal death syndrome; Sudden unexplained nocturnal death syndrome. Identifiers: Orphanet 130, MedGen C1142166, MONDO:0015263.

Allele frequency attached by ClinVar (database versions not stated): TOPMed below 0.00001.

Submissions (2):

Labcorp Genetics (formerly Invitae), Labcorp
Classification: Uncertain significance for Brugada syndrome. Last evaluated: 2021-04-04. Review status: criteria provided, single submitter. Criteria: Invitae Variant Classification Sherloc (09022015). Collection method: clinical testing. Allele origin: germline.
Comment: In summary, the available evidence is currently insufficient to determine the role of this variant in disease. Therefore, it has been classified as a Variant of Uncertain Significance. Nucleotide substitutions within the consensus splice site are a relatively common cause of aberrant splicing (PMID: 17576681, 9536098). Algorithms developed to predict the effect of sequence changes on RNA splicing suggest that this variant may disrupt the consensus splice site, but this prediction has not been confirmed by published transcriptional studies. This variant has not been reported in the literature in individuals with SLMAP-related conditions. This variant is not present in population databases (ExAC no frequency). This sequence change falls in intron 2 of the SLMAP gene. It does not directly change the encoded amino acid sequence of the SLMAP protein. It affects a nucleotide within the consensus splice site of the intron.

Dr. Peter K. Rogan Lab, Western University
No classification provided (evidence only). Condition: Malignant tumor of esophagus. Review status: no classification provided. Collection method: in vitro. Allele origin: not applicable. Functional consequence: cryptic splice site, retained intron. Not counted in ClinVar's aggregate classification.

Literature cited by the submitters: PubMed 17576681 (cited by Labcorp Genetics (formerly Invitae), Labcorp); PubMed 9536098 (cited by Labcorp Genetics (formerly Invitae), Labcorp).

NM_001377540.1(SLMAP):c.346+5G>A

Gene: SLMAP (sarcolemma associated protein; plus strand). Cytogenetic location: 3p14.3.
Variant type: single nucleotide variant.
Coding change: c.346+5G>A on transcript NM_001377540.1 (MANE Select); 5 bases into the intron after coding-DNA position 346, G replaced by A.
Molecular consequence: intron variant. On other transcripts: non-coding transcript variant (1).
Genome position (GRCh38, 1-based): chr3:57,831,535, G>A. VCF-style: chr3-57831535-G-A. GRCh37 (hg19) VCF-style: chr3-57817262-G-A.
Other names: c.346+5G>A (NM_001377538.1, NM_001377539.1, NM_001377555.1 and 17 more transcripts).
Identifiers: ClinVar variation 1420803 (VCV001420803.7), dbSNP rs2093334864, ClinGen allele CA1367374549.